The following is an entry in ClinVar:

ClinVar aggregate classification (germline): Uncertain significance (1 of 4 stars; one submission).

Conditions:
Frontotemporal dementia (FTD1). Also called: MULTIPLE SYSTEM TAUOPATHY WITH PRESENILE DEMENTIA; WILHELMSEN-LYNCH DISEASE; FRONTOTEMPORAL LOBAR DEGENERATION WITH TAU INCLUSIONS; FTLD WITH TAU INCLUSIONS; Dementia, frontotemporal, with or without parkinsonism; FRONTOTEMPORAL DEMENTIA WITH PARKINSONISM. Identifiers: Orphanet 282, MedGen C0338451, MONDO:0017276, OMIM 600274, HP:0002145.

Allele frequency attached by ClinVar (database versions not stated): TOPMed below 0.00001; gnomAD 0.00007 and 0.00008; gnomAD exomes 0.00007 and 0.00021; ExAC 0.00033.
gnomAD v4.1: 141 of 1,613,854 alleles (0.0087%); highest among the groups gnomAD compares: Non-Finnish European, 0.0039%; 1 homozygote.

Submission:

Labcorp Genetics (formerly Invitae), Labcorp
Classification: Uncertain significance for Frontotemporal dementia. Last evaluated: 2021-11-13. Review status: criteria provided, single submitter. Criteria: Invitae Variant Classification Sherloc (09022015). Collection method: clinical testing. Allele origin: germline.
Comment: This variant is present in population databases (rs201458656, gnomAD 0.1%), and has an allele count higher than expected for a pathogenic variant. This variant has not been reported in the literature in individuals affected with MAPT-related conditions. This sequence change replaces serine, which is neutral and polar, with asparagine, which is neutral and polar, at codon 129 of the MAPT protein (p.Ser129Asn). Algorithms developed to predict the effect of missense changes on protein structure and function (SIFT, PolyPhen-2, Align-GVGD) all suggest that this variant is likely to be tolerated. In summary, the available evidence is currently insufficient to determine the role of this variant in disease. Therefore, it has been classified as a Variant of Uncertain Significance.

NM_001377265.1(MAPT):c.1364G>A (p.Ser455Asn)

Gene: MAPT (microtubule associated protein tau). Cytogenetic location: 17q21.31.
Variant type: single nucleotide variant.
Coding change: c.1364G>A on transcript NM_001377265.1 (MANE Select); coding-DNA position 1364, G replaced by A.
Protein change: p.Ser455Asn; replaces serine 455 with asparagine.
Molecular consequence: missense variant. On other transcripts: non-coding transcript variant (1).
Genome position (GRCh38, 1-based): chr17:45,987,052, G>A. VCF-style: chr17-45987052-G-A. GRCh37 (hg19) VCF-style: chr17-44064418-G-A.
Other names: c.1139G>A, p.Ser380Asn (NM_001123066.4, NM_016835.5); c.299G>A, p.Ser100Asn (NM_001123067.4, NM_001203251.2, NM_001377267.1); c.386G>A, p.Ser129Asn (NM_001203252.2, NM_005910.6); c.1364G>A, p.Ser455Asn (NM_001377266.1); c.212G>A, p.Ser71Asn (NM_001377268.1, NM_016834.5, NM_016841.5); short protein forms S71N, S100N, S129N, S380N, S455N.
Identifiers: ClinVar variation 1414056 (VCV001414056.6), dbSNP rs201458656, ClinGen allele CA8617865.